The following is an entry in ClinVar:

NM_001244008.2(KIF1A):c.5241G>A (p.Thr1747=)

Gene: KIF1A (kinesin family member 1A; minus strand). Cytogenetic location: 2q37.3.
Variant type: single nucleotide variant.
Coding change: c.5241G>A on transcript NM_001244008.2 (MANE Select); coding-DNA position 5241, G replaced by A.
Protein change: p.Thr1747=; no amino-acid change (threonine 1747 retained).
Molecular consequence: synonymous variant.
Genome position (GRCh38, 1-based): chr2:240,718,142, C>T on the plus strand (G>A on the coding strand, the complement: KIF1A is on the minus strand). VCF-style: chr2-240718142-C-T. GRCh37 (hg19) VCF-style: chr2-241657559-C-T.
Other names: c.5241G>A (NM_001244008.1); c.4965G>A, p.Thr1655= (NM_001320705.2, NM_001379649.1); c.4992G>A, p.Thr1664= (NM_001330289.2); c.5040G>A, p.Thr1680= (NM_001330290.2, NM_001379648.1); c.5316G>A, p.Thr1772= (NM_001379631.1); c.5217G>A, p.Thr1739= (NM_001379632.1); c.5214G>A, p.Thr1738= (NM_001379633.1, NM_001379645.1); c.5067G>A, p.Thr1689= (NM_001379634.1); and 9 more.
Identifiers: ClinVar variation 532908 (VCV000532908.18), dbSNP rs375709030, ClinGen allele CA2207127.
Genomic context (GRCh38, chr2:240,718,142, plus strand): 5'-GTACAGCCAGTCATGCATGTCCTTGTCGCTGGCGGCCTGCAGCAGGATGCCGCGGTGTTC[C>T]GTGCACACCGCGAATGTGTTGGGTGTCTGCAGAGGGAGGCAGCTGGTGAGGAGGTGCCAG-3'
Protein context (NP_001230937.1, residues 1737-1757): LKTPNTFAVC[Thr1747=]EHRGILLQAA

ClinVar aggregate classification (germline): Likely benign. Review status: criteria provided, multiple submitters, no conflicts (2 of 4 stars). 4 submissions from 4 submitters: Likely benign (3). 1 of the submissions does not count toward it. Last evaluated 2025-11-06.

Conditions:
Neuropathy, hereditary sensory, type 2C. Also called: KIF1A-Related HSAN2 (HSAN2C); Hereditary sensory and autonomic neuropathy type IIC. Identifiers: Orphanet 970, MedGen C3280168, MONDO:0013634, OMIM 614213.
Intellectual disability, autosomal dominant 9 (NESCAVS). Also called: NESCAV SYNDROME; KIF1A-Related Neurodevelopmental Disorder. Identifiers: Orphanet 662367, MedGen C5393830, MONDO:0013656, OMIM 614255.
Hereditary spastic paraplegia 30. Identifiers: Orphanet 101010, MedGen C5235139, MONDO:0012476.
KIF1A-related disorder. Also called: KIF1A-related disorders; KIF1A-related condition.
Inborn genetic diseases. Identifiers: MedGen C0950123, MeSH D030342.

Allele frequency attached by ClinVar (database versions not stated): gnomAD 0.00006 and 0.00007; ExAC 0.00007; gnomAD exomes 0.00007; TOPMed 0.00010; ESP Exome Variant Server 0.00023.
gnomAD v4.1: 229 of 1,607,980 alleles (0.014%); highest among the groups gnomAD compares: Non-Finnish European, 0.018%; no homozygotes.

Submissions (4):

Labcorp Genetics (formerly Invitae), Labcorp
Classification: Likely benign for Hereditary spastic paraplegia 30; Neuropathy, hereditary sensory, type 2C; Intellectual disability, autosomal dominant 9. Last evaluated: 2025-11-06. Review status: criteria provided, single submitter. Criteria: Invitae Variant Classification Sherloc (09022015). Collection method: clinical testing. Allele origin: germline.

GeneDx
Classification: Likely benign. Last evaluated: 2020-03-18. Review status: criteria provided, single submitter. Criteria: GeneDx Variant Classification Process June 2021. Collection method: clinical testing. Allele origin: germline. Affected: yes.

Ambry Genetics
Classification: Likely benign for Inborn genetic diseases. Last evaluated: 2019-07-11. Review status: criteria provided, single submitter. Criteria: Ambry Variant Classification Scheme 2023. Collection method: clinical testing. Allele origin: germline.

PreventionGenetics, part of Exact Sciences
Classification: Likely benign for KIF1A-related condition. Last evaluated: 2023-02-28. Review status: no assertion criteria provided. Collection method: clinical testing. Allele origin: germline. Not counted in ClinVar's aggregate classification.
Comment: This variant is classified as likely benign based on ACMG/AMP sequence variant interpretation guidelines (Richards et al. 2015 PMID: 25741868, with internal and published modifications).